The following is an entry in ClinVar:

ClinVar aggregate classification (germline): Uncertain significance (1 of 4 stars; one submission).

Submission:

Labcorp Genetics (formerly Invitae), Labcorp
Classification: Uncertain significance. Last evaluated: 2025-02-02. Review status: criteria provided, single submitter. Criteria: Invitae Variant Classification Sherloc (09022015). Collection method: clinical testing. Allele origin: germline.
Comment: This sequence change replaces asparagine, which is neutral and polar, with serine, which is neutral and polar, at codon 328 of the SLC10A2 protein (p.Asn328Ser). This variant is not present in population databases (gnomAD no frequency). This variant has not been reported in the literature in individuals affected with SLC10A2-related conditions. An algorithm developed to predict the effect of missense changes on protein structure and function outputs the following: PolyPhen-2: "Benign". The serine amino acid residue is found in multiple mammalian species, which suggests that this missense change does not adversely affect protein function. In summary, the available evidence is currently insufficient to determine the role of this variant in disease. Therefore, it has been classified as a Variant of Uncertain Significance.

NM_000452.3(SLC10A2):c.983A>G (p.Asn328Ser)

Gene: SLC10A2 (solute carrier family 10 member 2; minus strand). Cytogenetic location: 13q33.1.
Variant type: single nucleotide variant.
Coding change: c.983A>G on transcript NM_000452.3 (MANE Select); coding-DNA position 983, A replaced by G.
Protein change: p.Asn328Ser; replaces asparagine 328 with serine.
Molecular consequence: missense variant.
Genome position (GRCh38, 1-based): chr13:103,046,197, T>C on the plus strand (A>G on the coding strand, the complement: SLC10A2 is on the minus strand). VCF-style: chr13-103046197-T-C. GRCh37 (hg19) VCF-style: chr13-103698547-T-C.
Other names: short protein forms N328S.
Identifiers: ClinVar variation 4712154 (VCV004712154.1).